The following is an entry in ClinVar:

ClinVar aggregate classification (germline): Uncertain significance. Review status: criteria provided, multiple submitters, no conflicts (2 of 4 stars). 2 submissions from 2 submitters: Uncertain significance (2). Last evaluated 2025-09-16.

Conditions:
Baller-Gerold syndrome (BGS). Also called: CRANIOSYNOSTOSIS WITH RADIAL DEFECTS. Identifiers: Orphanet 1225, MedGen C0265308, MONDO:0009039, OMIM 218600.

Submissions (2):

Labcorp Genetics (formerly Invitae), Labcorp
Classification: Uncertain significance for Baller-Gerold syndrome. Last evaluated: 2025-09-16. Review status: criteria provided, single submitter. Criteria: Invitae Variant Classification Sherloc (09022015). Collection method: clinical testing. Allele origin: germline.
Comment: This sequence change replaces alanine, which is neutral and non-polar, with glycine, which is neutral and non-polar, at codon 602 of the RECQL4 protein (p.Ala602Gly). This variant is not present in population databases (gnomAD no frequency). This variant has not been reported in the literature in individuals affected with RECQL4-related conditions. ClinVar contains an entry for this variant (Variation ID: 1052784). Invitae Evidence Modeling of protein sequence and biophysical properties (such as structural, functional, and spatial information, amino acid conservation, physicochemical variation, residue mobility, and thermodynamic stability) indicates that this missense variant is expected to disrupt RECQL4 protein function with a positive predictive value of 80%. In summary, the available evidence is currently insufficient to determine the role of this variant in disease. Therefore, it has been classified as a Variant of Uncertain Significance.

GeneDx
Classification: Uncertain significance. Last evaluated: 2024-09-03. Review status: criteria provided, single submitter. Criteria: GeneDx Variant Classification Process June 2021. Collection method: clinical testing. Allele origin: germline. Affected: yes.
Comment: Not observed at significant frequency in large population cohorts (gnomAD); In silico analysis does not support a benign or deleterious effect of this variant on protein structure/function; Has not been previously published as pathogenic or benign to our knowledge

NM_004260.4(RECQL4):c.1805C>G (p.Ala602Gly)

Gene: RECQL4 (RecQ like helicase 4; minus strand). Cytogenetic location: 8q24.3.
Variant type: single nucleotide variant.
Coding change: c.1805C>G on transcript NM_004260.4 (MANE Select); coding-DNA position 1805, C replaced by G.
Protein change: p.Ala602Gly; replaces alanine 602 with glycine.
Molecular consequence: missense variant.
Genome position (GRCh38, 1-based): chr8:144,514,262, G>C on the plus strand (C>G on the coding strand, the complement: RECQL4 is on the minus strand). VCF-style: chr8-144514262-G-C. GRCh37 (hg19) VCF-style: chr8-145739646-G-C.
Other names: c.1805C>G (NM_004260.3); short protein forms A602G.
Identifiers: ClinVar variation 1052784 (VCV001052784.3), dbSNP rs773424120, ClinGen allele CA372680871.